The following is an entry in ClinVar:

ClinVar aggregate classification (germline): Conflicting classifications of pathogenicity. Review status: criteria provided, conflicting classifications (1 of 4 stars). 2 submissions from 2 submitters: Pathogenic (1); Uncertain significance (1). Last evaluated 2022-09-27.

Conditions:
Autosomal dominant centronuclear myopathy. Also called: Myopathy, centronuclear, 3; MYOTUBULAR MYOPATHY, AUTOSOMAL DOMINANT. Identifiers: Orphanet 169189, MedGen C4551952, MeSH D020914, MONDO:0008048, OMIM 160150.
Charcot-Marie-Tooth disease dominant intermediate B (CMTDIB). Also called: Charcot-Marie-Tooth disease dominant intermediate 1; CMT DI1; Charcot-Marie-Tooth disease dominant intermediate I; CHARCOT-MARIE-TOOTH NEUROPATHY, DOMINANT INTERMEDIATE B. Identifiers: Orphanet 100044, Orphanet 228179, MedGen C1847902, MONDO:0011674, OMIM 606482.

Submissions (2):

Labcorp Genetics (formerly Invitae), Labcorp
Classification: Uncertain significance for Charcot-Marie-Tooth disease dominant intermediate B. Last evaluated: 2022-09-27. Review status: criteria provided, single submitter. Criteria: Invitae Variant Classification Sherloc (09022015). Collection method: clinical testing. Allele origin: germline.
Comment: Algorithms developed to predict the effect of sequence changes on RNA splicing suggest that this variant may disrupt the consensus splice site. ClinVar contains an entry for this variant (Variation ID: 870614). This variant has not been reported in the literature in individuals affected with DNM2-related conditions. This variant is not present in population databases (gnomAD no frequency). In summary, the available evidence is currently insufficient to determine the role of this variant in disease. Therefore, it has been classified as a Variant of Uncertain Significance. This sequence change affects a donor splice site in intron 17 of the DNM2 gene. It is expected to disrupt RNA splicing. Variants that disrupt the donor or acceptor splice site typically lead to a loss of protein function (PMID: 16199547), however the current clinical and genetic evidence is not sufficient to establish whether loss-of-function variants in DNM2 cause disease.

Pediatric Department, Peking University First Hospital
Classification: Pathogenic for Autosomal dominant centronuclear myopathy. Last evaluated: 2020-04-11. Review status: criteria provided, single submitter. Criteria: ACMG Guidelines, 2015. Collection method: provider interpretation. Allele origin: de novo. Affected: yes.

Literature cited by the submitters: PubMed 16199547 (cited by Labcorp Genetics (formerly Invitae), Labcorp).

NM_001005361.3(DNM2):c.1893+1G>A

Gene: DNM2 (dynamin 2; plus strand). Cytogenetic location: 19p13.2.
Variant type: single nucleotide variant.
Coding change: c.1893+1G>A on transcript NM_001005361.3 (MANE Select); the canonical splice donor site of the intron after coding-DNA position 1893, G replaced by A.
Molecular consequence: splice donor variant.
Genome position (GRCh38, 1-based): chr19:10,823,900, G>A. VCF-style: chr19-10823900-G-A. GRCh37 (hg19) VCF-style: chr19-10934576-G-A.
Other names: c.1893+1G>A (NM_001005360.3, NM_001190716.2); c.1881+1G>A (NM_004945.4, NM_001005362.3).
Identifiers: ClinVar variation 870614 (VCV000870614.6), dbSNP rs2073061878, ClinGen allele CA404041226.